The following is an entry in ClinVar:

NM_000179.3(MSH6):c.185G>C (p.Arg62Pro)

Gene: MSH6 (mutS homolog 6; plus strand). Cytogenetic location: 2p16.3.
Variant type: single nucleotide variant.
Coding change: c.185G>C on transcript NM_000179.3 (MANE Select); coding-DNA position 185, G replaced by C.
Protein change: p.Arg62Pro; replaces arginine 62 with proline.
Molecular consequence: missense variant. On other transcripts: 5 prime UTR variant (1).
Genome position (GRCh38, 1-based): chr2:47,783,418, G>C. VCF-style: chr2-47783418-G-C. GRCh37 (hg19) VCF-style: chr2-48010557-G-C.
Other names: c.185G>C, p.Arg62Pro (NM_001281492.2); c.-552G>C (NM_001281493.2); short protein forms R62P.
Identifiers: ClinVar variation 237146 (VCV000237146.10), dbSNP rs867979237, ClinGen allele CA10582033.

ClinVar aggregate classification (germline): Conflicting classifications of pathogenicity. Review status: criteria provided, conflicting classifications (1 of 4 stars). 2 submissions from 2 submitters: Uncertain significance (1); Likely benign (1). Last evaluated 2025-07-23.

Conditions:
Hereditary nonpolyposis colorectal neoplasms. Identifiers: MedGen C0009405, MeSH D003123.
Hereditary cancer-predisposing syndrome. Also called: Hereditary neoplastic syndrome; Hereditary Cancer Syndrome; Neoplastic Syndromes, Hereditary; Tumor predisposition. Identifiers: Orphanet 140162, MedGen C0027672, MeSH D009386, MONDO:0015356.

Submissions (2):

Labcorp Genetics (formerly Invitae), Labcorp
Classification: Uncertain significance for Hereditary nonpolyposis colorectal neoplasms. Last evaluated: 2025-07-23. Review status: criteria provided, single submitter. Criteria: Invitae Variant Classification Sherloc (09022015). Collection method: clinical testing. Allele origin: germline.
Comment: This sequence change replaces arginine, which is basic and polar, with proline, which is neutral and non-polar, at codon 62 of the MSH6 protein (p.Arg62Pro). This variant is not present in population databases (gnomAD no frequency). This variant has not been reported in the literature in individuals affected with MSH6-related conditions. ClinVar contains an entry for this variant (Variation ID: 237146). Invitae Evidence Modeling of protein sequence and biophysical properties (such as structural, functional, and spatial information, amino acid conservation, physicochemical variation, residue mobility, and thermodynamic stability) indicates that this missense variant is not expected to disrupt MSH6 protein function with a negative predictive value of 95%. In summary, the available evidence is currently insufficient to determine the role of this variant in disease. Therefore, it has been classified as a Variant of Uncertain Significance.

Ambry Genetics
Classification: Likely benign for Hereditary cancer-predisposing syndrome. Last evaluated: 2025-05-16. Review status: criteria provided, single submitter. Criteria: Ambry Variant Classification Scheme 2023. Collection method: clinical testing. Allele origin: germline.